The following is an entry in ClinVar:

NM_007327.4(GRIN1):c.1922T>A (p.Met641Lys)

Gene: GRIN1 (glutamate ionotropic receptor NMDA type subunit 1; plus strand). Cytogenetic location: 9q34.3.
Variant type: single nucleotide variant.
Coding change: c.1922T>A on transcript NM_007327.4 (MANE Select); coding-DNA position 1922, T replaced by A.
Protein change: p.Met641Lys; replaces methionine 641 with lysine.
Molecular consequence: missense variant.
Genome position (GRCh38, 1-based): chr9:137,162,648, T>A. VCF-style: chr9-137162648-T-A. GRCh37 (hg19) VCF-style: chr9-140057100-T-A.
Other names: c.1922T>A, p.Met641Lys (NM_000832.7, NM_021569.4); c.1985T>A, p.Met662Lys (NM_001185090.2, NM_001185091.2); short protein forms M641K, M662K.
Identifiers: ClinVar variation 3901877 (VCV003901877.1).
Genomic context (GRCh38, chr9:137,162,648, plus strand): 5'-CAGGCGCCCCCAGAAGCTTCTCAGCGCGCATCCTGGGCATGGTGTGGGCCGGCTTTGCCA[T>A]GATCATCGTGGCCTCCTACACCGCCAACCTGGCGGCCTTCCTGGTGCTGGACCGGCCGGA-3'
Protein context (NP_015566.1, residues 631-651): ILGMVWAGFA[Met641Lys]IIVASYTANL

ClinVar aggregate classification (germline): Pathogenic (1 of 4 stars; one submission).

Conditions:
Neurodevelopmental disorder with or without hyperkinetic movements and seizures, autosomal dominant. Also called: Intellectual disability, autosomal dominant 8. Identifiers: MedGen C3280282, MONDO:0013655, OMIM 614254.

Submission:

Rare Disease Center, Seoul National University Hospital
Classification: Pathogenic for Neurodevelopmental disorder with or without hyperkinetic movements and seizures, autosomal dominant. Last evaluated: 2025-03-23. Review status: criteria provided, single submitter. Criteria: ACMG Guidelines, 2015. Collection method: provider interpretation. Allele origin: de novo. Affected: yes. Observed: 1 variant allele.
Comment: In addition, this variant is not present in population databases (gnomAD). Note: This variant was found in clinical genetic testing performed by one or more labs who may also submit to ClinVar. Therefore, any internal case data may overlap with the internal case data of other submitters. The classification and rationale are that of the Rare Disease Center, Seoul National University Hospital